The following is an entry in ClinVar:

ClinVar aggregate classification (germline): Pathogenic (1 of 4 stars; one submission).

Conditions:
Microcephaly-intellectual disability-sensorineural hearing loss-epilepsy-abnormal muscle tone syndrome (NEDHSB). Also called: NEURODEVELOPMENTAL DISORDER WITH HEARING LOSS, SEIZURES, AND BRAIN ABNORMALITIES. Identifiers: Orphanet 457351, MedGen C4225276, MONDO:0014698, OMIM 616577.

Submission:

Baylor Genetics
Classification: Pathogenic for Microcephaly-intellectual disability-sensorineural hearing loss-epilepsy-abnormal muscle tone syndrome. Last evaluated: 2019-07-10. Review status: criteria provided, single submitter. Criteria: ACMG Guidelines, 2015. Collection method: clinical testing. Allele origin: unknown. Affected: yes.
Comment: This variant was determined to be pathogenic according to ACMG Guidelines, 2015 [PMID:25741868].

NM_145207.3(AFG2A):c.2306del (p.Leu769fs)

Gene: AFG2A (AFG2 AAA ATPase homolog A; plus strand). Cytogenetic location: 4q28.1.
Variant type: Deletion.
Coding change: c.2306del on transcript NM_145207.3 (MANE Select); coding-DNA position 2306, one base deleted (T; older notation c.2306delT).
Protein change: p.Leu769fs; shifts the reading frame from leucine 769.
Molecular consequence: frameshift variant.
Genome position (GRCh38, 1-based): chr4:123,090,671, T deleted; the last of 4 consecutive T bases (chr4:123,090,668-123,090,671); deleting any one gives the same sequence. VCF-style (leftmost placement, unchanged base first): chr4-123090667-AT-A. GRCh37 (hg19) VCF-style: chr4-124011822-AT-A.
Other names: c.2303del, p.Leu768fs (NM_001345856.2); short protein forms L768fs, L769fs.
Identifiers: ClinVar variation 1031192 (VCV001031192.1), dbSNP rs1732760873, ClinGen allele CA1490563061.